The following is an entry in ClinVar:

NM_001267550.2(TTN):c.67446del (p.Ile22483fs)

Genes: TTN (titin; minus strand), TTN-AS1 (TTN antisense RNA 1; plus strand), LOC126806423 (CDK7 strongly-dependent group 2 enhancer GRCh37_chr2:179443309-179444508; plus strand). Cytogenetic location: 2q31.2.
Variant type: Deletion.
Coding change: c.67446del on transcript NM_001267550.2 (MANE Select); coding-DNA position 67446, one base deleted (G; older notation c.67446delG).
Protein change: p.Ile22483fs; shifts the reading frame from isoleucine 22483.
Molecular consequence: frameshift variant.
Genome position (GRCh38, 1-based): chr2:178,579,751, C deleted on the plus strand (G on the coding strand, the reverse complement: TTN is on the minus strand); the first of 2 consecutive C bases (chr2:178,579,751-178,579,752); deleting either gives the same sequence. VCF-style (leftmost placement, unchanged base first): chr2-178579750-TC-T. GRCh37 (hg19) VCF-style: chr2-179444477-TC-T.
Other names: c.62523del, p.Ile20842fs (NM_001256850.1); c.40251del, p.Ile13418fs (NM_003319.4); c.59742del, p.Ile19915fs (NM_133378.4); c.40626del, p.Ile13543fs (NM_133432.3); c.40827del, p.Ile13610fs (NM_133437.4); short protein forms I13418fs, I13543fs, I13610fs, I19915fs, I20842fs, I22483fs.
Identifiers: ClinVar variation 1067466 (VCV001067466.12), dbSNP rs2154175760, ClinGen allele CA2499215386.

ClinVar aggregate classification (germline): Likely pathogenic (1 of 4 stars; one submission).

Conditions:
Dilated cardiomyopathy 1G (CMD1G). Identifiers: Orphanet 154, MedGen C1858763, MONDO:0011400, OMIM 604145.
Autosomal recessive limb-girdle muscular dystrophy type 2J (LGMDR10). Also called: Limb-girdle muscular dystrophy, type 2J; MUSCULAR DYSTROPHY, LIMB-GIRDLE, AUTOSOMAL RECESSIVE 10. Identifiers: Orphanet 140922, MedGen C1837342, MONDO:0012127, OMIM 608807.

Submission:

Labcorp Genetics (formerly Invitae), Labcorp
Classification: Likely pathogenic for Dilated cardiomyopathy 1G; Autosomal recessive limb-girdle muscular dystrophy type 2J. Last evaluated: 2020-03-22. Review status: criteria provided, single submitter. Criteria: Invitae Variant Classification Sherloc (09022015). Collection method: clinical testing. Allele origin: germline.
Comment: This variant has not been reported in the literature in individuals with TTN-related conditions. In summary, the currently available evidence indicates that the variant is pathogenic, but additional data are needed to prove that conclusively. Therefore, this variant has been classified as Likely Pathogenic. This variant is located in the A band of TTN (PMID: 25589632). Truncating variants in this region are significantly overrepresented in patients affected with dilated cardiomyopathy (PMID: 25589632). Truncating variants in this region have also been reported in individuals affected with autosomal recessive centronuclear myopathy (PMID: 23975875). This variant is not present in population databases (ExAC no frequency). This sequence change results in a premature translational stop signal in the TTN gene (p.Ile22483Leufs*5). While this is not anticipated to result in nonsense mediated decay, it is expected to create a truncated TTN protein.

Literature cited by the submitters: PubMed 25589632; PubMed 23975875.